The following is an entry in ClinVar:

NM_030665.4(RAI1):c.2414C>T (p.Ser805Leu)

Gene: RAI1 (retinoic acid induced 1; plus strand). Cytogenetic location: 17p11.2.
Variant type: single nucleotide variant.
Coding change: c.2414C>T on transcript NM_030665.4 (MANE Select); coding-DNA position 2414, C replaced by T.
Protein change: p.Ser805Leu; replaces serine 805 with leucine.
Molecular consequence: missense variant.
Genome position (GRCh38, 1-based): chr17:17,795,362, C>T. VCF-style: chr17-17795362-C-T. GRCh37 (hg19) VCF-style: chr17-17698676-C-T.
Other names: c.2414C>T (NM_030665.3); short protein forms S805L.
Identifiers: ClinVar variation 1470928 (VCV001470928.10), dbSNP rs368058215, ClinGen allele CA8418530.

ClinVar aggregate classification (germline): Conflicting classifications of pathogenicity. Review status: criteria provided, conflicting classifications (1 of 4 stars). 3 submissions from 3 submitters: Uncertain significance (1); Benign (1); Likely benign (1). Last evaluated 2025-07-23.

Conditions:
Inborn genetic diseases. Identifiers: MedGen C0950123, MeSH D030342.
RAI1-related disorder. Also called: RAI1-related condition.

Allele frequency attached by ClinVar (database versions not stated): TOPMed 0.00001; gnomAD 0.00002; ExAC 0.00003; gnomAD exomes 0.00003; ESP Exome Variant Server 0.00008.
gnomAD v4.1: 52 of 1,595,896 alleles (0.0033%); highest among the groups gnomAD compares: East Asian, 0.0045%; no homozygotes.

Submissions (3):

PreventionGenetics, part of Exact Sciences
Classification: Uncertain significance for RAI1-related condition. Last evaluated: 2025-07-23. Review status: criteria provided, single submitter. Criteria: ACMG Guidelines, 2015. Collection method: clinical testing. Allele origin: germline.
Comment: The RAI1 c.2414C>T variant is predicted to result in the amino acid substitution p.Ser805Leu. To our knowledge, this variant has not been reported in the literature. This variant is reported in 0.0056% of alleles in individuals of European (Non-Finnish) descent in gnomAD. At this time, the clinical significance of this variant is uncertain due to the absence of conclusive functional and genetic evidence.

Labcorp Genetics (formerly Invitae), Labcorp
Classification: Benign. Last evaluated: 2025-06-15. Review status: criteria provided, single submitter. Criteria: Invitae Variant Classification Sherloc (09022015). Collection method: clinical testing. Allele origin: germline.

Ambry Genetics
Classification: Likely benign for Inborn genetic diseases. Last evaluated: 2023-02-14. Review status: criteria provided, single submitter. Criteria: Ambry Variant Classification Scheme 2023. Collection method: clinical testing. Allele origin: germline.